The following is an entry in ClinVar:

NM_001042492.3(NF1):c.7062+2del

Gene: NF1 (neurofibromin 1; plus strand). Cytogenetic location: 17q11.2.
Variant type: Deletion.
Coding change: c.7062+2del on transcript NM_001042492.3 (MANE Select); the canonical splice donor site of the intron after coding-DNA position 7062, one base deleted (T; older notation c.7062+2delT).
Molecular consequence: splice donor variant.
Genome position (GRCh38, 1-based): chr17:31,340,647, T deleted. VCF-style (leftmost placement, unchanged base first): chr17-31340646-GT-G. GRCh37 (hg19) VCF-style: chr17-29667664-GT-G.
Other names: c.6999+2del (NM_000267.4); c.6999+2delT (NM_000267.3).
Identifiers: ClinVar variation 996446 (VCV000996446.4), dbSNP rs2069795581, ClinGen allele CA2255603990.

ClinVar aggregate classification (germline): Pathogenic/Likely pathogenic. Review status: criteria provided, multiple submitters, no conflicts (2 of 4 stars). 2 submissions from 2 submitters: Pathogenic (1); Likely pathogenic (1). Last evaluated 2026-06-18.

Conditions:
Cardiovascular phenotype. Identifiers: MedGen CN230736.
Hereditary cancer-predisposing syndrome. Also called: Tumor predisposition; Hereditary Cancer Syndrome; Hereditary neoplastic syndrome; Neoplastic Syndromes, Hereditary. Identifiers: Orphanet 140162, MedGen C0027672, MeSH D009386, MONDO:0015356.
Neurofibromatosis, type 1 (NF1). Also called: VON RECKLINGHAUSEN DISEASE; Peripheral type neurofibromatosis; Neurofibromatosis, type I; NEUROFIBROMATOSIS, TYPE I, SOMATIC. Identifiers: Orphanet 636, MedGen C0027831, MONDO:0018975, OMIM 162200. Disease mechanism: loss of function.

Submissions (2):

Ambry Genetics
Classification: Pathogenic for Cardiovascular phenotype; Hereditary cancer-predisposing syndrome. Last evaluated: 2026-06-18. Review status: criteria provided, single submitter. Criteria: Ambry Variant Classification Scheme 2023. Collection method: clinical testing. Allele origin: germline.
Comment: The c.6999+2delT intronic pathogenic mutation, located in intron 46 of the NF1 gene, results from a deletion of one nucleotide within intron 46 of the NF1 gene. Variants that disrupt the canonical splice site are expected to result in aberrant splicing. In silico splice site analysis predicts that this alteration will weaken the native splice donor site. A resulting transcript is predicted to be in-frame and is not expected to trigger nonsense-mediated mRNAdecay; although, direct evidence is unavailable. However, the region predicted to be impacted is critical for protein function (Ambry internal data). This variant was reported in individual(s) with features consistent with neurofibromatosis type 1 (Ambry internal data). This variant is considered to be rare based on population cohorts in the Genome Aggregation Database (gnomAD). This nucleotide position is highly conserved in available vertebrate species. Based on the supporting evidence, this variant is interpreted as a disease-causing mutation.

Genome Diagnostics Laboratory, The Hospital for Sick Children
Classification: Likely pathogenic for Neurofibromatosis, type 1. Last evaluated: 2020-10-26. Review status: criteria provided, single submitter. Criteria: ACMG Guidelines, 2015. Collection method: clinical testing. Allele origin: germline. Affected: yes.